The following is an entry in ClinVar:

ClinVar aggregate classification (germline): Conflicting classifications of pathogenicity. Review status: criteria provided, conflicting classifications (1 of 4 stars). 3 submissions from 3 submitters: Uncertain significance (1); Benign (1); Likely benign (1). Last evaluated 2025-10-08.

Conditions:
SCN4A-related disorder. Also called: SCN4A-related disorders.
Hyperkalemic periodic paralysis. Also called: Gamstorp disease; Familial hyperkalemic periodic paralysis. Identifiers: Orphanet 682, MedGen C0238357, MONDO:0008224, OMIM 170500, HP:0007215.

Allele frequency attached by ClinVar (database versions not stated): ExAC 0.00006; TOPMed 0.00036; 1000 Genomes Project 0.00080; 1000 Genomes Project 30x 0.00109.

Submissions (3):

PreventionGenetics, part of Exact Sciences
Classification: Likely benign for SCN4A-related condition. Last evaluated: 2025-10-08. Review status: criteria provided, single submitter. Criteria: ACMG Guidelines, 2015. Collection method: clinical testing. Allele origin: germline.
Comment: This variant is classified as likely benign based on ACMG/AMP sequence variant interpretation guidelines (Richards et al. 2015 PMID: 25741868, with internal and published modifications).

Labcorp Genetics (formerly Invitae), Labcorp
Classification: Benign for Hyperkalemic periodic paralysis. Last evaluated: 2025-09-14. Review status: criteria provided, single submitter. Criteria: Invitae Variant Classification Sherloc (09022015). Collection method: clinical testing. Allele origin: germline.

GeneDx
Classification: Uncertain significance. Last evaluated: 2021-10-05. Review status: criteria provided, single submitter. Criteria: GeneDx Variant Classification Process June 2021. Collection method: clinical testing. Allele origin: germline. Affected: yes.
Comment: In-silico analysis, which includes splice predictors and evolutionary conservation, is inconclusive as to whether the variant alters gene splicing. In the absence of RNA/functional studies, the actual effect of this sequence change is unknown.; Has not been previously published as pathogenic or benign to our knowledge

NM_000334.4(SCN4A):c.1846-6C>A

Gene: SCN4A (sodium voltage-gated channel alpha subunit 4; minus strand). Cytogenetic location: 17q23.3.
Variant type: single nucleotide variant.
Coding change: c.1846-6C>A on transcript NM_000334.4 (MANE Select); 6 bases into the intron before coding-DNA position 1846, C replaced by A.
Molecular consequence: intron variant.
Genome position (GRCh38, 1-based): chr17:63,959,444, G>T on the plus strand (C>A on the coding strand, the complement: SCN4A is on the minus strand). VCF-style: chr17-63959444-G-T. GRCh37 (hg19) VCF-style: chr17-62036804-G-T.
Identifiers: ClinVar variation 703776 (VCV000703776.20), dbSNP rs190853310, ClinGen allele CA8709720.